The following is an entry in ClinVar:

ClinVar aggregate classification (germline): Uncertain significance (1 of 4 stars; one submission).

Conditions:
Sulfite oxidase deficiency. Also called: Isolated sulfite oxidase deficiency. Identifiers: Orphanet 833, Orphanet 99731, MedGen C0268624, MONDO:0010089, OMIM 272300, HP:0003643.

Allele frequency attached by ClinVar (database versions not stated): gnomAD exomes 0.00001 and 0.00002; ExAC 0.00004.

Submission:

Labcorp Genetics (formerly Invitae), Labcorp
Classification: Uncertain significance for Sulfite oxidase deficiency. Last evaluated: 2021-08-24. Review status: criteria provided, single submitter. Criteria: Invitae Variant Classification Sherloc (09022015). Collection method: clinical testing. Allele origin: germline.
Comment: This sequence change replaces methionine with valine at codon 340 of the SUOX protein (p.Met340Val). The methionine residue is moderately conserved and there is a small physicochemical difference between methionine and valine. This variant is present in population databases (rs765451268, ExAC 0.03%). This variant has not been reported in the literature in individuals affected with SUOX-related conditions. Algorithms developed to predict the effect of missense changes on protein structure and function (SIFT, PolyPhen-2, Align-GVGD) all suggest that this variant is likely to be tolerated. In summary, the available evidence is currently insufficient to determine the role of this variant in disease. Therefore, it has been classified as a Variant of Uncertain Significance.

NM_001032386.2(SUOX):c.1018A>G (p.Met340Val)

Gene: SUOX (sulfite oxidase; plus strand). Cytogenetic location: 12q13.2.
Variant type: single nucleotide variant.
Coding change: c.1018A>G on transcript NM_001032386.2 (MANE Select); coding-DNA position 1018, A replaced by G.
Protein change: p.Met340Val; replaces methionine 340 with valine.
Molecular consequence: missense variant.
Genome position (GRCh38, 1-based): chr12:56,004,407, A>G. VCF-style: chr12-56004407-A-G. GRCh37 (hg19) VCF-style: chr12-56398191-A-G.
Other names: c.1018A>G, p.Met340Val (NM_000456.3, NM_001032387.2); short protein forms M340V.
Identifiers: ClinVar variation 1463190 (VCV001463190.6), dbSNP rs765451268, ClinGen allele CA6621082.
Genomic context (GRCh38, chr12:56,004,407, plus strand): 5'-GGACTGGACTCAGACCCTACTGGGACTGCCTATGGAGCATCCATCCCTCTGGCTCGGGCC[A>G]TGGACCCTGAAGCTGAGGTCCTGCTGGCATATGAGATGAATGGGCAGCCTCTGCCACGTG-3'
Protein context (NP_001027558.1, residues 330-350): YGASIPLARA[Met340Val]DPEAEVLLAY